The following is an entry in ClinVar:

NM_003611.3(OFD1):c.257G>A (p.Gly86Asp)

Gene: OFD1 (OFD1 centriole and centriolar satellite protein; plus strand). Cytogenetic location: Xp22.2.
Variant type: single nucleotide variant.
Coding change: c.257G>A on transcript NM_003611.3 (MANE Select); coding-DNA position 257, G replaced by A.
Protein change: p.Gly86Asp; replaces glycine 86 with aspartic acid.
Molecular consequence: missense variant. On other transcripts: 5 prime UTR variant (1).
Genome position (GRCh38, 1-based): chrX:13,736,623, G>A. VCF-style: chrX-13736623-G-A. GRCh37 (hg19) VCF-style: chrX-13754742-G-A.
Other names: c.257G>A, p.Gly86Asp (NM_001330209.2); c.-289G>A (NM_001330210.2); short protein forms G86D.
Identifiers: ClinVar variation 857937 (VCV000857937.12), dbSNP rs2046878445, ClinGen allele CA412333454.

ClinVar aggregate classification (germline): Uncertain significance (1 of 4 stars; one submission).

Conditions:
Orofaciodigital syndrome I (OFD1). Also called: Oral-Facial-Digital Syndrome Type I; Papillon-Leage and Psaume Syndrome; OFDS I. Identifiers: Orphanet 2750, MedGen C1510460, MONDO:0010702, OMIM 311200.
Joubert syndrome. Also called: Familial aplasia of the vermis; JOUBERT-BOLTSHAUSER SYNDROME. Identifiers: Orphanet 475, MedGen C5979921, MONDO:0018772.

Submission:

Labcorp Genetics (formerly Invitae), Labcorp
Classification: Uncertain significance for Orofaciodigital syndrome I; Joubert syndrome. Last evaluated: 2021-04-06. Review status: criteria provided, single submitter. Criteria: Invitae Variant Classification Sherloc (09022015). Collection method: clinical testing. Allele origin: germline.
Comment: Algorithms developed to predict the effect of missense changes on protein structure and function (SIFT, PolyPhen-2, Align-GVGD) all suggest that this variant is likely to be disruptive, but these predictions have not been confirmed by published functional studies and their clinical significance is uncertain. This sequence change replaces glycine with aspartic acid at codon 86 of the OFD1 protein (p.Gly86Asp). The glycine residue is highly conserved and there is a moderate physicochemical difference between glycine and aspartic acid. This variant is not present in population databases (ExAC no frequency). This variant has been observed in individual(s) with clinical features of oral-facial-digital syndrome (Invitae). ClinVar contains an entry for this variant (Variation ID: 857937). In summary, the available evidence is currently insufficient to determine the role of this variant in disease. Therefore, it has been classified as a Variant of Uncertain Significance.